The following is an entry in ClinVar:

ClinVar aggregate classification (germline): Pathogenic/Likely pathogenic. Review status: criteria provided, multiple submitters, no conflicts (2 of 4 stars). 2 submissions from 2 submitters: Pathogenic (1); Likely pathogenic (1). Last evaluated 2026-07-01.

Conditions:
Glycogen storage disease, type II (IOPD). Also called: CARDIOMEGALIA GLYCOGENICA DIFFUSA; GLYCOGENOSIS, GENERALIZED, CARDIAC FORM; GSD II; Glycogen storage disease type 2; Acid maltase deficiency disease; Aglucosidase alfa. Identifiers: Orphanet 365, MedGen C0017921, MONDO:0009290, OMIM 232300.

Submissions (2):

Genomenon, Inc
Classification: Likely pathogenic for Glycogen storage disease, type II. Last evaluated: 2026-07-01. Review status: criteria provided, single submitter. Criteria: Genomenon Sequence Variant Interpretation Standards - Updated. Collection method: curation. Allele origin: germline. Affected: yes.
Comment: GAA p.Gly615Val (c.1844G>T) is a missense variant that changes the amino acid at codon 615 from Glycine to Valine. This variant has been observed in at least one proband with a GAA-related disorder in the compound heterozygous and/or homozygous state (PMID:38162137;36411466;28394184). The presence of pathogenic/likely pathogenic missense variant(s) at the same amino acid position indicates that this residue is likely important for protein function. It is absent or not present at a significant frequency in gnomAD. In silico models predict that this variant is possibly or probably damaging. In conclusion, we classify GAA p.Gly615Val (c.1844G>T) as a likely pathogenic variant.

Labcorp Genetics (formerly Invitae), Labcorp
Classification: Pathogenic for Glycogen storage disease, type II. Last evaluated: 2023-12-09. Review status: criteria provided, single submitter. Criteria: Invitae Variant Classification Sherloc (09022015). Collection method: clinical testing. Allele origin: germline.
Comment: This sequence change replaces glycine, which is neutral and non-polar, with valine, which is neutral and non-polar, at codon 615 of the GAA protein (p.Gly615Val). This variant is not present in population databases (gnomAD no frequency). This missense change has been observed in individual(s) with Pompe disease (PMID: 28394184). In at least one individual the data is consistent with being in trans (on the opposite chromosome) from a pathogenic variant. ClinVar contains an entry for this variant (Variation ID: 1002225). Advanced modeling of protein sequence and biophysical properties (such as structural, functional, and spatial information, amino acid conservation, physicochemical variation, residue mobility, and thermodynamic stability) performed at Invitae indicates that this missense variant is expected to disrupt GAA protein function with a positive predictive value of 95%. This variant disrupts the p.Gly615 amino acid residue in GAA. Other variant(s) that disrupt this residue have been determined to be pathogenic (PMID: 10338092, 15366815, 16860134, 18458862, 18607768, 19862843, 21757382, 24269976, 25037089). This suggests that this residue is clinically significant, and that variants that disrupt this residue are likely to be disease-causing. For these reasons, this variant has been classified as Pathogenic.

Literature cited by the submitters: PubMed 38162137 (cited by Genomenon, Inc); PubMed 36411466 (cited by Genomenon, Inc); PubMed 28394184 (cited by Genomenon, Inc and Labcorp Genetics (formerly Invitae), Labcorp); PubMed 10338092 (cited by Labcorp Genetics (formerly Invitae), Labcorp); PubMed 15366815 (cited by Labcorp Genetics (formerly Invitae), Labcorp); PubMed 16860134 (cited by Labcorp Genetics (formerly Invitae), Labcorp); PubMed 18458862 (cited by Labcorp Genetics (formerly Invitae), Labcorp); PubMed 18607768 (cited by Labcorp Genetics (formerly Invitae), Labcorp); PubMed 19862843 (cited by Labcorp Genetics (formerly Invitae), Labcorp); PubMed 21757382 (cited by Labcorp Genetics (formerly Invitae), Labcorp); PubMed 24269976 (cited by Labcorp Genetics (formerly Invitae), Labcorp); PubMed 25037089 (cited by Labcorp Genetics (formerly Invitae), Labcorp).

NM_000152.5(GAA):c.1844G>T (p.Gly615Val)

Gene: GAA (alpha glucosidase; plus strand). Cytogenetic location: 17q25.3.
Variant type: single nucleotide variant.
Coding change: c.1844G>T on transcript NM_000152.5 (MANE Select); coding-DNA position 1844, G replaced by T.
Protein change: p.Gly615Val; replaces glycine 615 with valine.
Molecular consequence: missense variant.
Genome position (GRCh38, 1-based): chr17:80,112,667, G>T. VCF-style: chr17-80112667-G-T. GRCh37 (hg19) VCF-style: chr17-78086466-G-T.
Other names: c.1844G>T, p.Gly615Val (NM_001079803.3, NM_001079804.3); short protein forms G615V.
Identifiers: ClinVar variation 1002225 (VCV001002225.10), dbSNP rs1243515778, ClinGen allele CA401369601.
Genomic context (GRCh38, chr17:80,112,667, plus strand): 5'-CATTTGTGATCTCCCGCTCGACCTTTGCTGGCCACGGCCGATACGCCGGCCACTGGACGG[G>T]GGACGTGTGGAGCTCCTGGGAGCAGCTCGCCTCCTCCGTGCCAGGTGAGCTCCTACCAGG-3'
Protein context (NP_000143.2, residues 605-625): GHGRYAGHWT[Gly615Val]DVWSSWEQLA